The following is an entry in ClinVar:

NM_001377.3(DYNC2H1):c.10461A>G (p.Gln3487=)

Gene: DYNC2H1 (dynein cytoplasmic 2 heavy chain 1; plus strand). Cytogenetic location: 11q22.3.
Variant type: single nucleotide variant.
Coding change: c.10461A>G on transcript NM_001377.3 (MANE Select); coding-DNA position 10461, A replaced by G.
Protein change: p.Gln3487=; no amino-acid change (glutamine 3487 retained).
Molecular consequence: synonymous variant.
Genome position (GRCh38, 1-based): chr11:103,256,240, A>G. VCF-style: chr11-103256240-A-G. GRCh37 (hg19) VCF-style: chr11-103126969-A-G.
Other names: p.Gln3494=; c.10482A>G, p.Gln3494= (NM_001080463.2).
Identifiers: ClinVar variation 302091 (VCV000302091.30), dbSNP rs75143468, ClinGen allele CA6254974.

ClinVar aggregate classification (germline): Benign/Likely benign. Review status: criteria provided, multiple submitters, no conflicts (2 of 4 stars). 7 submissions from 7 submitters: Benign (5); Likely benign (2). Last evaluated 2026-02-02.

Conditions:
Asphyxiating thoracic dystrophy 3. Also called: SHORT-RIB THORACIC DYSPLASIA 3 WITH OR WITHOUT POLYDACTYLY; POLYDACTYLY WITH NEONATAL CHONDRODYSTROPHY, TYPE I; SHORT-RIB THORACIC DYSPLASIA 3/6 WITH POLYDACTYLY, DIGENIC; Short rib polydactyly syndrome 2B; Saldino-Noonan Syndrome. Identifiers: Orphanet 474, Orphanet 93269, Orphanet 93270, Orphanet 93271, MedGen C0036069, MONDO:0013127, OMIM 613091.
Jeune thoracic dystrophy. Also called: Short-rib thoracic dysplasia; Jeune syndrome; Infantile thoracic dystrophy; Thoracic pelvic phalangeal dystrophy; Jeune's syndrome; Chondroectodermal dysplasia-like syndrome. Identifiers: Orphanet 474, MedGen C0265275, MONDO:0018770.

Allele frequency attached by ClinVar (database versions not stated): gnomAD exomes 0.00131 and 0.00352; ExAC 0.00514; ESP Exome Variant Server 0.01441; gnomAD 0.01479 and 0.01568; TOPMed 0.01668; 1000 Genomes Project 0.01817; 1000 Genomes Project 30x 0.01936.
gnomAD v4.1: 4,225 of 1,594,474 alleles (0.26%); highest among the groups gnomAD compares: African/African-American, 5%; 115 homozygotes.

Submissions (8):

Labcorp Genetics (formerly Invitae), Labcorp
Classification: Benign for Jeune thoracic dystrophy. Last evaluated: 2026-02-02. Review status: criteria provided, single submitter. Criteria: Invitae Variant Classification Sherloc (09022015). Collection method: clinical testing. Allele origin: germline.

ARUP Laboratories, Molecular Genetics and Genomics, ARUP Laboratories
Classification: Benign for Asphyxiating thoracic dystrophy 3. Last evaluated: 2025-06-11. Review status: criteria provided, single submitter. Criteria: ARUP Molecular Germline Variant Investigation Process 2024. Collection method: clinical testing. Allele origin: germline.

Mayo Clinic Laboratories, Mayo Clinic
Classification: Benign. Last evaluated: 2023-04-10. Review status: criteria provided, single submitter. Criteria: ACMG Guidelines, 2015. Collection method: clinical testing. Allele origin: germline. Observed: 2 variant alleles.

Fulgent Genetics
Classification: Likely benign for Asphyxiating thoracic dystrophy 3. Last evaluated: 2022-02-07. Review status: criteria provided, single submitter. Criteria: ACMG Guidelines, 2015. Collection method: clinical testing. Allele origin: unknown.

Illumina Laboratory Services, Illumina
Classification: Benign for Asphyxiating thoracic dystrophy 3. Last evaluated: 2018-01-13. Review status: criteria provided, single submitter. Criteria: ICSL Variant Classification Criteria 13 December 2019. Collection method: clinical testing. Allele origin: germline.
Comment: This variant was observed in the ICSL laboratory as part of a predisposition screen in an ostensibly healthy population. It had not been previously curated by ICSL or reported in the Human Gene Mutation Database (HGMD: prior to June 1st, 2018), and was therefore a candidate for classification through an automated scoring system. Utilizing variant allele frequency, disease prevalence and penetrance estimates, and inheritance mode, an automated score was calculated to assess if this variant is too frequent to cause the disease. Based on the score and internal cut-off values, a variant classified as benign is not then subjected to further curation. The score for this variant resulted in a classification of benign for this disease.

GeneDx
Classification: Benign. Last evaluated: 2017-06-29. Review status: criteria provided, single submitter. Criteria: GeneDx Variant Classification (06012015). Collection method: clinical testing. Allele origin: germline. Affected: yes.
Comment: This variant is considered likely benign or benign based on one or more of the following criteria: it is a conservative change, it occurs at a poorly conserved position in the protein, it is predicted to be benign by multiple in silico algorithms, and/or has population frequency not consistent with disease.

Breakthrough Genomics
Classification: Likely benign. Review status: criteria provided, single submitter. Criteria: ACMG Guidelines, 2015. Collection method: not provided. Allele origin: germline. Inheritance: Autosomal recessive inheritance. Affected: yes.

Dr. Peter K. Rogan Lab, Western University
No classification provided (evidence only). Condition: Ovarian serous cystadenocarcinoma. Review status: no classification provided. Collection method: in vitro. Allele origin: not applicable. Functional consequence: retained intron. Not counted in ClinVar's aggregate classification.